The following is an entry in ClinVar:

NM_001164508.2(NEB):c.23630del (p.Thr7877fs)

Genes: NEB (nebulin; minus strand), RIF1 (replication timing regulatory factor 1; plus strand). Cytogenetic location: 2q23.3.
Variant type: Deletion.
Coding change: c.23630del on transcript NM_001164508.2 (MANE Select); coding-DNA position 23630, one base deleted (C; older notation c.23630delC).
Protein change: p.Thr7877fs; shifts the reading frame from threonine 7877.
Molecular consequence: frameshift variant.
Genome position (GRCh38, 1-based): chr2:151,506,185, G deleted on the plus strand (C on the coding strand, the reverse complement: NEB is on the minus strand). VCF-style (leftmost placement, unchanged base first): chr2-151506184-TG-T. GRCh37 (hg19) VCF-style: chr2-152362698-TG-T.
Other names: c.23630del, p.Thr7877fs (NM_001164507.2); c.23735delC, p.Thr7912Asnfs (NM_001271208.1); c.23735del, p.Thr7912fs (NM_001271208.2); c.18527del, p.Thr6176fs (NM_004543.5); short protein forms T6176fs, T7877fs, T7912fs.
Identifiers: ClinVar variation 4058806 (VCV004058806.2).
Genomic context (GRCh38, chr2:151,506,184, plus strand): 5'-GGGAGGCAGAAAATATTGCAAGTGCATTCACTGTGTCTTTACCGAGCTAATGTGGTCCTG[TG>T]TTTGTTTCACTCTCATCATCTCAGGTGTCTTTCCGATAGCCGTTCCTGGTGAGACATCCT-3'

ClinVar aggregate classification (germline): Likely pathogenic (1 of 4 stars; one submission).

Conditions:
Nemaline myopathy 2 (NEM2). Also called: Nemaline myopathy 2, autosomal recessive. Identifiers: MedGen C1850569, MONDO:0009725, OMIM 256030.

Submission:

Natera, Inc.
Classification: Likely pathogenic for Nemaline myopathy type 2. Last evaluated: 2025-01-27. Review status: criteria provided, single submitter. Criteria: Natera Variant Classification Schema (03/2026). Collection method: clinical testing. Allele origin: germline.
Comment: The c.23735del variant in NEB is a frameshift variant predicted to shift the reading frame beginning at codon 7912 and leads to a stop codon 8 codons downstream. This variant is expected to result in nonsense mediated decay, truncation, or a dysfunctional protein product. This variant is rare in the general population with a frequency below the threshold expected for the associated phenotype(s). Given the available evidence, this variant is classified as Likely Pathogenic.